The following is an entry in ClinVar:

NM_018180.3(DHX32):c.534C>A (p.Ser178Arg)

Gene: DHX32 (DEAH-box helicase 32 (putative); minus strand). Cytogenetic location: 10q26.2.
Variant type: single nucleotide variant.
Coding change: c.534C>A on transcript NM_018180.3 (MANE Select); coding-DNA position 534, C replaced by A.
Protein change: p.Ser178Arg; replaces serine 178 with arginine.
Molecular consequence: missense variant.
Genome position (GRCh38, 1-based): chr10:125,859,918, G>T on the plus strand (C>A on the coding strand, the complement: DHX32 is on the minus strand). VCF-style: chr10-125859918-G-T. GRCh37 (hg19) VCF-style: chr10-127548487-G-T.
Other names: c.534C>A (NM_018180.2); short protein forms S178R.
Identifiers: ClinVar variation 3696747 (VCV003696747.3).

ClinVar aggregate classification (germline): Uncertain significance. Review status: criteria provided, multiple submitters, no conflicts (2 of 4 stars). 2 submissions from 2 submitters: Uncertain significance (2). Last evaluated 2025-04-09.

gnomAD v4.1: 2 of 1,612,376 alleles (0.00012%); highest among the groups gnomAD compares: Admixed American, 0.0033%; no homozygotes.

Submissions (2):

Ambry Genetics
Classification: Uncertain significance. Last evaluated: 2025-04-09. Review status: criteria provided, single submitter. Criteria: Ambry Variant Classification Scheme 2023. Collection method: clinical testing. Allele origin: germline.

Labcorp Genetics (formerly Invitae), Labcorp
Classification: Uncertain significance. Last evaluated: 2024-10-28. Review status: criteria provided, single submitter. Criteria: Invitae Variant Classification Sherloc (09022015). Collection method: clinical testing. Allele origin: germline.
Comment: This sequence change replaces serine, which is neutral and polar, with arginine, which is basic and polar, at codon 178 of the DHX32 protein (p.Ser178Arg). This variant is not present in population databases (gnomAD no frequency). This variant has not been reported in the literature in individuals affected with DHX32-related conditions. An algorithm developed to predict the effect of missense changes on protein structure and function (PolyPhen-2) suggests that this variant is likely to be tolerated. In summary, the available evidence is currently insufficient to determine the role of this variant in disease. Therefore, it has been classified as a Variant of Uncertain Significance.